The following is an entry in ClinVar:

ClinVar aggregate classification (germline): Likely benign (0 of 4 stars; one submission).

Conditions:
FAM47B-related disorder. Also called: FAM47B-related condition.

Submission:

PreventionGenetics, part of Exact Sciences
Classification: Likely benign for FAM47B-related condition. Last evaluated: 2022-05-27. Review status: no assertion criteria provided. Collection method: clinical testing. Allele origin: germline.
Comment: This variant is classified as likely benign based on ACMG/AMP sequence variant interpretation guidelines (Richards et al. 2015 PMID: 25741868, with internal and published modifications).

NM_152631.3(FAM47B):c.329_337del (p.Val110_Pro112del)

Gene: FAM47B (family with sequence similarity 47 member B; plus strand). Cytogenetic location: Xp21.1.
Variant type: Deletion.
Coding change: c.329_337del on transcript NM_152631.3 (MANE Select); coding-DNA positions 329 to 337, 9 bases deleted (TACAGCCAG; older notation c.329_337delTACAGCCAG).
Protein change: p.Val110_Pro112del.
Genome position (GRCh38, 1-based): chrX:34,943,160-34,943,168, TACAGCCAG deleted; deleting any 9 consecutive bases within chrX:34,943,155-34,943,168 gives the same sequence; the c. name uses the placement nearest the transcript's 3' end. VCF-style (leftmost placement, unchanged base first): chrX-34943154-CGCCAGTACA-C. GRCh37 (hg19) VCF-style: chrX-34961271-CGCCAGTACA-C.
Identifiers: ClinVar variation 3054088 (VCV003054088.2), dbSNP rs759524668, ClinGen allele CA10380900.